The following is an entry in ClinVar:

Conditions:
Long QT syndrome 5 (LQT5). Identifiers: Orphanet 101016, Orphanet 768, MedGen C1867904, MONDO:0013372, OMIM 613695.

Submission:

Roden Lab, Vanderbilt University Medical Center
No classification provided (evidence only). Condition: Long QT syndrome 5. Review status: no classification provided. Collection method: in vitro. Allele origin: not applicable. Functional consequence: Effect on ion channel function.
ClinVar note: "not provided" was previously submitted as the classification for the variant. However, the classification appeared to be based only on an observation of functional data so it was converted to no classification on 2025-07-30.

NM_000219.6(KCNE1):c.150A>G (p.Val50=)

Gene: KCNE1 (potassium voltage-gated channel subfamily E regulatory subunit 1; minus strand). Cytogenetic location: 21q22.12.
Variant type: single nucleotide variant.
Coding change: c.150A>G on transcript NM_000219.6 (MANE Select); coding-DNA position 150, A replaced by G.
Protein change: p.Val50=; no amino-acid change (valine 50 retained).
Molecular consequence: synonymous variant.
Genome position (GRCh38, 1-based): chr21:34,449,485, T>C on the plus strand (A>G on the coding strand, the complement: KCNE1 is on the minus strand). VCF-style: chr21-34449485-T-C. GRCh37 (hg19) VCF-style: chr21-35821783-T-C.
Other names: c.150A>G, p.Val50= (NM_001127668.4, NM_001127669.4, NM_001127670.4 and 4 more transcripts).
Identifiers: ClinVar variation 3374177 (VCV003374177.2).
Genomic context (GRCh38, chr21:34,449,485, plus strand): 5'-CTTCTTGGAGCGGATGTAGCTCAGCATGATGCCCAGGGTGAAGAAGCCGAAGAATCCCAG[T>C]ACCATGAGGACGTAGAGGGCCTCCAGCTTGCCGTCACTGCTGCGGGGGGACCTGCGGGCC-3'
Protein context (NP_000210.2, residues 40-60): GKLEALYVLM[Val50=]LGFFGFFTLG